The following is an entry in ClinVar:

NM_000465.4(BARD1):c.1857G>C (p.Lys619Asn)

Gene: BARD1 (BRCA1 associated RING domain 1; minus strand). Cytogenetic location: 2q35.
Variant type: single nucleotide variant.
Coding change: c.1857G>C on transcript NM_000465.4 (MANE Select); coding-DNA position 1857, G replaced by C.
Protein change: p.Lys619Asn; replaces lysine 619 with asparagine.
Molecular consequence: missense variant. On other transcripts: non-coding transcript variant (3), intron variant (1).
Genome position (GRCh38, 1-based): chr2:214,745,113, C>G on the plus strand (G>C on the coding strand, the complement: BARD1 is on the minus strand). VCF-style: chr2-214745113-C-G. GRCh37 (hg19) VCF-style: chr2-215609837-C-G.
Other names: c.1800G>C, p.Lys600Asn (NM_001282543.2); c.504G>C, p.Lys168Asn (NM_001282545.2); c.447G>C, p.Lys149Asn (NM_001282548.2); c.365-14605G>C (NM_001282549.2); short protein forms K149N, K168N, K600N, K619N.
Identifiers: ClinVar variation 2087450 (VCV002087450.4), dbSNP rs2469338003, ClinGen allele CA350452181.

ClinVar aggregate classification (germline): Uncertain significance (1 of 4 stars; one submission).

Conditions:
Familial cancer of breast. Also called: hereditary breast carcinoma; BREAST CANCER, FAMILIAL; Hereditary breast cancer. Identifiers: Orphanet 227535, MedGen C0346153, MONDO:0016419, OMIM 114480. Disease mechanism: loss of function.

Submission:

Labcorp Genetics (formerly Invitae), Labcorp
Classification: Uncertain significance for Familial cancer of breast. Last evaluated: 2022-01-18. Review status: criteria provided, single submitter. Criteria: Invitae Variant Classification Sherloc (09022015). Collection method: clinical testing. Allele origin: germline.
Comment: In summary, the available evidence is currently insufficient to determine the role of this variant in disease. Therefore, it has been classified as a Variant of Uncertain Significance. Algorithms developed to predict the effect of missense changes on protein structure and function are either unavailable or do not agree on the potential impact of this missense change (SIFT: "Deleterious"; PolyPhen-2: "Probably Damaging"; Align-GVGD: "Class C0"). This variant has not been reported in the literature in individuals affected with BARD1-related conditions. This variant is not present in population databases (gnomAD no frequency). This sequence change replaces lysine, which is basic and polar, with asparagine, which is neutral and polar, at codon 619 of the BARD1 protein (p.Lys619Asn).